The following is an entry in ClinVar:

ClinVar aggregate classification (germline): Conflicting classifications of pathogenicity. Review status: criteria provided, conflicting classifications (1 of 4 stars). 15 submissions from 11 submitters: Uncertain significance (5); Benign (2); Likely benign (7). 1 of the submissions does not count toward it. Last evaluated 2026-08-01.

Conditions:
TTN-related disorder. Also called: TTN-related disorders; TTN-related condition; TTN-related disease.
Cardiovascular phenotype. Identifiers: MedGen CN230736.
Autosomal recessive limb-girdle muscular dystrophy type 2J (LGMDR10). Also called: Limb-girdle muscular dystrophy, type 2J; MUSCULAR DYSTROPHY, LIMB-GIRDLE, AUTOSOMAL RECESSIVE 10. Identifiers: Orphanet 140922, MedGen C1837342, MONDO:0012127, OMIM 608807.
Dilated cardiomyopathy 1G (CMD1G). Identifiers: Orphanet 154, MedGen C1858763, MONDO:0011400, OMIM 604145.
Early-onset myopathy with fatal cardiomyopathy (CMYO5). Also called: Salih Myopathy; CONGENITAL MYOPATHY 5 WITH CARDIOMYOPATHY. Identifiers: Orphanet 289377, MedGen C2673677, MONDO:0012714, OMIM 611705. Disease mechanism: loss of function.
Myopathy, myofibrillar, 9, with early respiratory failure (MFM9). Also called: Myopathy, distal, with early respiratory failure, autosomal dominant; EDSTROM MYOPATHY; MYOPATHY, PROXIMAL, WITH EARLY RESPIRATORY MUSCLE INVOLVEMENT; Hereditary myopathy with early respiratory failure. Identifiers: Orphanet 178464, Orphanet 34521, MedGen C1863599, MONDO:0011362, OMIM 603689.
Tibial muscular dystrophy (TMD). Also called: Udd Distal Myopathy – Tibial Muscular Dystrophy; UDD MYOPATHY; Tibial muscular dystrophy, tardive. Identifiers: Orphanet 609, MedGen C1838244, MONDO:0010870, OMIM 600334.
Tip-toe gait. Also called: Toe walking. Identifiers: MedGen C0427144, HP:0030051.

Allele frequency attached by ClinVar (database versions not stated): ESP Exome Variant Server 0.00025; gnomAD 0.00026 and 0.00029; TOPMed 0.00031; gnomAD exomes 0.00034 and 0.00054; ExAC 0.00073.
gnomAD v4.1: 559 of 1,613,722 alleles (0.035%); highest among the groups gnomAD compares: Middle Eastern, 0.17%; 2 homozygotes.

Submissions (15):

CeGaT Center for Human Genetics Tuebingen
Classification: Likely benign. Last evaluated: 2026-08-01. Review status: criteria provided, single submitter. Criteria: CeGaT Center For Human Genetics Tuebingen Variant Classification Criteria Version 2. Collection method: clinical testing. Allele origin: germline. Affected: yes. Observed: 24 variant alleles.
Comment: TTN: BP4

Labcorp Genetics (formerly Invitae), Labcorp
Classification: Likely benign for Dilated cardiomyopathy 1G; Autosomal recessive limb-girdle muscular dystrophy type 2J. Last evaluated: 2026-01-27. Review status: criteria provided, single submitter. Criteria: Invitae Variant Classification Sherloc (09022015). Collection method: clinical testing. Allele origin: germline.

PreventionGenetics, part of Exact Sciences
Classification: Likely benign for TTN-related condition. Last evaluated: 2025-05-19. Review status: criteria provided, single submitter. Criteria: ACMG Guidelines, 2015. Collection method: clinical testing. Allele origin: germline.
Comment: This variant is classified as likely benign based on ACMG/AMP sequence variant interpretation guidelines (Richards et al. 2015 PMID: 25741868, with internal and published modifications).

Molecular Diagnostic Laboratory for Inherited Cardiovascular Disease, Montreal Heart Institute
Classification: Likely benign. Last evaluated: 2025-04-09. Review status: criteria provided, single submitter. Criteria: ACMG Guidelines, 2015. Collection method: clinical testing. Allele origin: germline. Affected: no.

Blueprint Genetics
Classification: Likely benign. Last evaluated: 2024-11-11. Review status: criteria provided, single submitter. Criteria: ACMG Guidelines, 2015. Collection method: clinical testing. Allele origin: germline.

Women's Health and Genetics/Laboratory Corporation of America, LabCorp
Classification: Uncertain significance. Last evaluated: 2024-09-30. Review status: criteria provided, single submitter. Criteria: LabCorp Variant Classification Summary - May 2015. Collection method: clinical testing. Allele origin: germline.
Comment: Variant summary: TTN c.91012G>A (p.Val30338Ile) results in a conservative amino acid change located in the Immunoglobulin domain subtype (IPR003598) of the encoded protein sequence. Four of four in-silico tools predict a benign effect of the variant on protein function. The variant allele was found at a frequency of 0.00054 in 248712 control chromosomes. This frequency is not significantly higher than estimated for a pathogenic variant in TTN causing Limb-Girdle Muscular Dystrophy, Type 2J, allowing no conclusion about variant significance. To our knowledge, no occurrence of c.91012G>A in individuals affected with Limb-Girdle Muscular Dystrophy, Type 2J and no experimental evidence demonstrating its impact on protein function have been reported. ClinVar contains an entry for this variant (Variation ID: 196643). Based on the evidence outlined above, the variant was classified as uncertain significance.

GeneDx
Classification: Likely benign. Last evaluated: 2021-05-06. Review status: criteria provided, single submitter. Criteria: GeneDx Variant Classification Process June 2021. Collection method: clinical testing. Allele origin: germline. Affected: yes.

Ambry Genetics
Classification: Likely benign for Cardiovascular phenotype. Last evaluated: 2018-12-07. Review status: criteria provided, single submitter. Criteria: Ambry Variant Classification Scheme 2023. Collection method: clinical testing. Allele origin: germline.

Illumina Laboratory Services, Illumina
Classification: Uncertain significance for Dilated cardiomyopathy 1G. Last evaluated: 2018-01-12. Review status: criteria provided, single submitter. Criteria: ICSL Variant Classification Criteria 13 December 2019. Collection method: clinical testing. Allele origin: germline.

Illumina Laboratory Services, Illumina
Classification: Benign for Tibial muscular dystrophy. Last evaluated: 2018-01-12. Review status: criteria provided, single submitter. Criteria: ICSL Variant Classification Criteria 13 December 2019. Collection method: clinical testing. Allele origin: germline.
Comment: This variant was observed in the ICSL laboratory as part of a predisposition screen in an ostensibly healthy population. It had not been previously curated by ICSL or reported in the Human Gene Mutation Database (HGMD: prior to June 1st, 2018), and was therefore a candidate for classification through an automated scoring system. Utilizing variant allele frequency, disease prevalence and penetrance estimates, and inheritance mode, an automated score was calculated to assess if this variant is too frequent to cause the disease. Based on the score and internal cut-off values, a variant classified as benign is not then subjected to further curation. The score for this variant resulted in a classification of benign for this disease.

Illumina Laboratory Services, Illumina
Classification: Uncertain significance for Autosomal recessive limb-girdle muscular dystrophy type 2J. Last evaluated: 2018-01-12. Review status: criteria provided, single submitter. Criteria: ICSL Variant Classification Criteria 13 December 2019. Collection method: clinical testing. Allele origin: germline.

Illumina Laboratory Services, Illumina
Classification: Uncertain significance for Early-onset myopathy with fatal cardiomyopathy. Last evaluated: 2018-01-12. Review status: criteria provided, single submitter. Criteria: ICSL Variant Classification Criteria 13 December 2019. Collection method: clinical testing. Allele origin: germline.

Illumina Laboratory Services, Illumina
Classification: Benign for Myopathy, myofibrillar, 9, with early respiratory failure. Last evaluated: 2018-01-12. Review status: criteria provided, single submitter. Criteria: ICSL Variant Classification Criteria 13 December 2019. Collection method: clinical testing. Allele origin: germline.
Comment: the same text as in the submission from Illumina Laboratory Services, Illumina above.

Eurofins Ntd Llc (ga)
Classification: Uncertain significance. Last evaluated: 2015-10-22. Review status: criteria provided, single submitter. Criteria: EGL Classification Definitions 2015. Collection method: clinical testing. Allele origin: germline. Observed: 3 variant alleles, 3 heterozygotes.

Practice for Gait Abnormalities, David Pomarino, Competency Network Toe Walking C/o Practice Pomarino
Classification: Likely pathogenic for Tip-toe gait. Review status: no assertion criteria provided. Collection method: clinical testing. Allele origin: germline. Affected: yes. Not counted in ClinVar's aggregate classification.
Comment: Myopathy refers to diseases that affect skeletal Muscles. These diseases attack muscle fibers, making muscles weak. Inherited myopathies are often caused by inheriting an abnormal gene mutation from a parent that causes the disease. Symptoms of congenital myopathies usually start at birth or in early childhood, but may not appear until the teen years or even later in adulthood. Congenital myopathies are somewhat unique compared with other inherited myopathies, as weakness typically affects all muscles and is often not progressive. Symptoms are: Muscle weakness, most commonly of upper arms and shoulders and thighs, muscle cramps, stiffness and spasms, fatigue with exertion and lack of energy. Our patients all walk on tiptoe, so they show similar symptoms. When we genetically test them with our toe walking panel, we find that around 90 per cent of them have a genetic variant that explains their toe walking. These can be assigned, for example, to the area of myopathies (such as variants of the COL6A3 gene), the area of hereditary neuropathies (such as variants of the KMT2C gene) or the area of metabolic diseases (such as variants of the PYGM gene). In a smaller group of patients with almost identical symptoms, no abnormality is found in the genes of our panel, but spastic paraplegia can be detected. In another small group of our toe walkers, no abnormalities can be detected in the genes analysed in our toe walking panel, nor do they suffer from spastic paraplegia, as is also the case with healthy children. In contrast to these, however, they show a tiptoe gait. These patients suffer from infantile cerebral palsy, in which toe walking can also be observed

Literature cited by the submitters: PubMed 37091313 (cited by Practice for Gait Abnormalities, David Pomarino, Competency Network Toe Walking C/o Practice Pomarino).

NM_001267550.2(TTN):c.98716G>A (p.Val32906Ile)

Genes: TTN (titin; minus strand), TTN-AS1 (TTN antisense RNA 1; plus strand). Cytogenetic location: 2q31.2.
Variant type: single nucleotide variant.
Coding change: c.98716G>A on transcript NM_001267550.2 (MANE Select); coding-DNA position 98716, G replaced by A.
Protein change: p.Val32906Ile; replaces valine 32906 with isoleucine.
Molecular consequence: missense variant. On other transcripts: non-coding transcript variant (1).
Genome position (GRCh38, 1-based): chr2:178,539,219, C>T on the plus strand (G>A on the coding strand, the complement: TTN is on the minus strand). VCF-style: chr2-178539219-C-T. GRCh37 (hg19) VCF-style: chr2-179403946-C-T.
Other names: p.V31265I:GTA>ATA; c.93793G>A, p.Val31265Ile (NM_001256850.1); c.71521G>A, p.Val23841Ile (NM_003319.4); c.91012G>A, p.Val30338Ile (NM_133378.4); c.71896G>A, p.Val23966Ile (NM_133432.3); c.72097G>A, p.Val24033Ile (NM_133437.4); short protein forms V32906I, V31265I, V30338I, V23841I, V24033I, V23966I.
Identifiers: ClinVar variation 196643 (VCV000196643.67), dbSNP rs182683829, ClinGen allele CA302940.